The following is an entry in ClinVar:

NM_000368.5(TSC1):c.3368_3369del (p.Lys1123fs)

Gene: TSC1 (TSC complex subunit 1; minus strand). Cytogenetic location: 9q34.13.
Variant type: Deletion.
Coding change: c.3368_3369del on transcript NM_000368.5 (MANE Select); coding-DNA positions 3368 to 3369, 2 bases deleted (AA; older notation c.3368_3369delAA).
Protein change: p.Lys1123fs; shifts the reading frame from lysine 1123.
Molecular consequence: frameshift variant.
Genome position (GRCh38, 1-based): chr9:132,896,361-132,896,362, TT deleted on the plus strand (AA on the coding strand, the reverse complement: TSC1 is on the minus strand); deleting any 2 consecutive bases within chr9:132,896,361-132,896,363 gives the same sequence; the c. name uses the placement nearest the transcript's 3' end. VCF-style (leftmost placement, unchanged base first): chr9-132896360-CTT-C. GRCh37 (hg19) VCF-style: chr9-135771747-CTT-C.
Other names: c.3368_3369delAA (NM_000368.4); c.3365_3366del, p.Lys1122fs (NM_001162426.2); c.3215_3216del, p.Lys1072fs (NM_001162427.2); c.3005_3006del, p.Lys1002fs (NM_001362177.2); short protein forms K1072fs, K1123fs, K1002fs, K1122fs.
Identifiers: ClinVar variation 237718 (VCV000237718.8), dbSNP rs878853967, ClinGen allele CA10582620.
Genomic context (GRCh38, chr9:132,896,360, plus strand): 5'-TCGGGGGAGACGGGTGAGGGCCATCTAGGTTCAGGGGAATCTTGGCTTCCACACCCAAGT[CTT>C]TGCCCAGTTCTGTCTTTAGGCTCTCAGAAAGGCTACTGGTCATGCCGTCCTCATCACACT-3'

ClinVar aggregate classification (germline): Uncertain significance (1 of 4 stars; one submission).

Conditions:
Tuberous sclerosis 1 (TSC1). Identifiers: Orphanet 805, MedGen C1854465, MONDO:0008612, OMIM 191100.

Submission:

Labcorp Genetics (formerly Invitae), Labcorp
Classification: Uncertain significance for Tuberous sclerosis 1. Last evaluated: 2015-11-23. Review status: criteria provided, single submitter. Criteria: Invitae Variant Classification Sherloc (09022015). Collection method: clinical testing. Allele origin: germline.
Comment: In summary, this is a novel nonsense change, There is insufficient evidence at this time to conclude whether a truncation in the last exon of the TSC1 gene has a deleterious effect on TSC1 protein function. Therefore, it has been classified as a Variant of Uncertain Significance. This variant is not present in population databases (ExAC no frequency) and has not been reported in the literature in individuals with a TSC1-related disease. This sequence change deletes two nucleotides in exon 23 of the TSC1 mRNA (c.3368_3369delAA), causing a frameshift at codon 1123. This creates a premature translational stop signal in the last exon of the TSC1 mRNA (p.Lys1123Argfs*35). While this is not anticipated to result in nonsense mediated decay, it is expected to result in a truncated TSC1 protein.